The following is an entry in ClinVar:

ClinVar aggregate classification (germline): Uncertain significance (1 of 4 stars; one submission).

Conditions:
Dilated cardiomyopathy 1G (CMD1G). Identifiers: Orphanet 154, MedGen C1858763, MONDO:0011400, OMIM 604145.
Autosomal recessive limb-girdle muscular dystrophy type 2J (LGMDR10). Also called: Limb-girdle muscular dystrophy, type 2J; MUSCULAR DYSTROPHY, LIMB-GIRDLE, AUTOSOMAL RECESSIVE 10. Identifiers: Orphanet 140922, MedGen C1837342, MONDO:0012127, OMIM 608807.

Allele frequency attached by ClinVar (database versions not stated): gnomAD 0.00001; TOPMed 0.00001.
gnomAD v4.1: 2 of 1,613,456 alleles (0.00012%); highest among the groups gnomAD compares: Non-Finnish European, 0.00017%; no homozygotes.

Submission:

Labcorp Genetics (formerly Invitae), Labcorp
Classification: Uncertain significance for Dilated cardiomyopathy 1G; Autosomal recessive limb-girdle muscular dystrophy type 2J. Last evaluated: 2023-08-18. Review status: criteria provided, single submitter. Criteria: Invitae Variant Classification Sherloc (09022015). Collection method: clinical testing. Allele origin: germline.
Comment: This variant has not been reported in the literature in individuals affected with TTN-related conditions. In summary, the available evidence is currently insufficient to determine the role of this variant in disease. Therefore, it has been classified as a Variant of Uncertain Significance. Experimental studies and prediction algorithms are not available or were not evaluated, and the functional significance of this variant is currently unknown. This variant is not present in population databases (gnomAD no frequency). This sequence change replaces lysine, which is basic and polar, with isoleucine, which is neutral and non-polar, at codon 8875 of the TTN protein (p.Lys8875Ile).

NM_001267550.2(TTN):c.26624A>T (p.Lys8875Ile)

Gene: TTN (titin; minus strand). Cytogenetic location: 2q31.2.
Variant type: single nucleotide variant.
Coding change: c.26624A>T on transcript NM_001267550.2 (MANE Select); coding-DNA position 26624, A replaced by T.
Protein change: p.Lys8875Ile; replaces lysine 8875 with isoleucine.
Molecular consequence: missense variant. On other transcripts: intron variant (3).
Genome position (GRCh38, 1-based): chr2:178,714,034, T>A on the plus strand (A>T on the coding strand, the complement: TTN is on the minus strand). VCF-style: chr2-178714034-T-A. GRCh37 (hg19) VCF-style: chr2-179578761-T-A.
Other names: c.25673A>T, p.Lys8558Ile (NM_001256850.1); c.22892A>T, p.Lys7631Ile (NM_133378.4); c.13282+24048A>T (NM_003319.4); c.13858+24048A>T (NM_133437.4); c.13657+24048A>T (NM_133432.3); short protein forms K8558I, K8875I, K7631I.
Identifiers: ClinVar variation 2927988 (VCV002927988.3), dbSNP rs1472784946, ClinGen allele CA349467014.